The following is an entry in ClinVar:

NM_004535.3(MYT1):c.397+10C>T

Gene: MYT1 (myelin transcription factor 1; plus strand). Cytogenetic location: 20q13.33.
Variant type: single nucleotide variant.
Coding change: c.397+10C>T on transcript NM_004535.3 (MANE Select); 10 bases into the intron after coding-DNA position 397, C replaced by T.
Molecular consequence: intron variant.
Genome position (GRCh38, 1-based): chr20:64,205,810, C>T. VCF-style: chr20-64205810-C-T. GRCh37 (hg19) VCF-style: chr20-62837163-C-T.
Identifiers: ClinVar variation 3035083 (VCV003035083.2), dbSNP rs746131196, ClinGen allele CA9974558.

ClinVar aggregate classification (germline): Likely benign (0 of 4 stars; one submission).

Conditions:
MYT1-related disorder. Also called: MYT1-related condition.

Allele frequency attached by ClinVar (database versions not stated): ExAC 0.00001; gnomAD 0.00001; TOPMed 0.00002.

Submission:

PreventionGenetics, part of Exact Sciences
Classification: Likely benign for MYT1-related condition. Last evaluated: 2019-08-09. Review status: no assertion criteria provided. Collection method: clinical testing. Allele origin: germline.
Comment: This variant is classified as likely benign based on ACMG/AMP sequence variant interpretation guidelines (Richards et al. 2015 PMID: 25741868, with internal and published modifications).